The following is an entry in ClinVar:

ClinVar aggregate classification (germline): Conflicting classifications of pathogenicity. Review status: criteria provided, conflicting classifications (1 of 4 stars). 5 submissions from 5 submitters: Uncertain significance (1); Benign (1); Likely benign (2). 1 of the submissions does not count toward it. Last evaluated 2026-01-25.

Conditions:
FAH-related disorder. Also called: FAH-related condition.
Tyrosinemia type I (TYRSN1). Also called: FAH DEFICIENCY; Tyrosinemia type 1; Fumarylacetoacetase deficiency; Deficiency of fumarylacetoacetase; HEPATORENAL TYROSINEMIA. Identifiers: Orphanet 882, MedGen C0268490, MONDO:0010161, OMIM 276700. Disease mechanism: loss of function.

Allele frequency attached by ClinVar (database versions not stated): gnomAD 0.00046 and 0.00048; TOPMed 0.00050; gnomAD exomes 0.00051 and 0.00057; ExAC 0.00059; ESP Exome Variant Server 0.00100.
gnomAD v4.1: 829 of 1,607,498 alleles (0.052%); highest among the groups gnomAD compares: Non-Finnish European, 0.045%; no homozygotes.

Submissions (5):

Labcorp Genetics (formerly Invitae), Labcorp
Classification: Benign for Tyrosinemia type I. Last evaluated: 2026-01-25. Review status: criteria provided, single submitter. Criteria: Invitae Variant Classification Sherloc (09022015). Collection method: clinical testing. Allele origin: germline.

Blueprint Genetics
Classification: Likely benign. Last evaluated: 2024-08-22. Review status: criteria provided, single submitter. Criteria: ACMG Guidelines, 2015. Collection method: clinical testing. Allele origin: germline.

Illumina Laboratory Services, Illumina
Classification: Uncertain significance for Tyrosinemia type I. Last evaluated: 2018-01-13. Review status: criteria provided, single submitter. Criteria: ICSL Variant Classification Criteria 13 December 2019. Collection method: clinical testing. Allele origin: germline.

GeneDx
Classification: Likely benign. Last evaluated: 2017-06-27. Review status: criteria provided, single submitter. Criteria: GeneDx Variant Classification (06012015). Collection method: clinical testing. Allele origin: germline. Affected: yes.
Comment: This variant is considered likely benign or benign based on one or more of the following criteria: it is a conservative change, it occurs at a poorly conserved position in the protein, it is predicted to be benign by multiple in silico algorithms, and/or has population frequency not consistent with disease.

PreventionGenetics, part of Exact Sciences
Classification: Likely benign for FAH-related condition. Last evaluated: 2021-04-01. Review status: no assertion criteria provided. Collection method: clinical testing. Allele origin: germline. Not counted in ClinVar's aggregate classification.
Comment: This variant is classified as likely benign based on ACMG/AMP sequence variant interpretation guidelines (Richards et al. 2015 PMID: 25741868, with internal and published modifications).

NM_000137.4(FAH):c.81+12G>A

Gene: FAH (fumarylacetoacetate hydrolase; plus strand). Cytogenetic location: 15q25.1.
Variant type: single nucleotide variant.
Coding change: c.81+12G>A on transcript NM_000137.4 (MANE Select); 12 bases into the intron after coding-DNA position 81, G replaced by A.
Molecular consequence: intron variant.
Genome position (GRCh38, 1-based): chr15:80,153,147, G>A. VCF-style: chr15-80153147-G-A. GRCh37 (hg19) VCF-style: chr15-80445489-G-A.
Other names: c.81+12G>A (NM_001374377.1, NM_001374380.1).
Identifiers: ClinVar variation 317203 (VCV000317203.12), dbSNP rs200319726, ClinGen allele CA7690987.